The following is an entry in ClinVar:

NM_006939.4(SOS2):c.3170C>T (p.Thr1057Ile)

Gene: SOS2 (SOS Ras/Rho guanine nucleotide exchange factor 2; minus strand). Cytogenetic location: 14q21.3.
Variant type: single nucleotide variant.
Coding change: c.3170C>T on transcript NM_006939.4 (MANE Select); coding-DNA position 3170, C replaced by T.
Protein change: p.Thr1057Ile; replaces threonine 1057 with isoleucine.
Molecular consequence: missense variant.
Genome position (GRCh38, 1-based): chr14:50,130,668, G>A on the plus strand (C>T on the coding strand, the complement: SOS2 is on the minus strand). VCF-style: chr14-50130668-G-A. GRCh37 (hg19) VCF-style: chr14-50597386-G-A.
Other names: c.3071C>T, p.Thr1024Ile (NM_001411020.1); short protein forms T1024I, T1057I.
Identifiers: ClinVar variation 4844417 (VCV004844417.1).
Genomic context (GRCh38, chr14:50,130,668, plus strand): 5'-TCCAGCTCAGTTTCAGCAATCCGACTAAAGCTTATTTTACATGGTTCTCTTTCTAATGGT[G>A]TTGGGTGACCTCGTAAAGTACCTGAGGTAGAGCCATGTCGGCCTGTGTTAGGCCTTATTC-3'
Protein context (NP_008870.2, residues 1047-1067): STSGTLRGHP[Thr1057Ile]PLEREPCKIS

ClinVar aggregate classification (germline): Uncertain significance (1 of 4 stars; one submission).

Conditions:
Cardiovascular phenotype. Identifiers: MedGen CN230736.

gnomAD v4.1: 2 of 1,614,152 alleles (0.00012%); highest among the groups gnomAD compares: South Asian, 0.0011%; no homozygotes.

Submission:

Ambry Genetics
Classification: Uncertain significance for Cardiovascular phenotype. Last evaluated: 2026-02-13. Review status: criteria provided, single submitter. Criteria: Ambry Variant Classification Scheme 2023. Collection method: clinical testing. Allele origin: germline.
Comment: The p.T1057I variant (also known as c.3170C>T), located in coding exon 20 of the SOS2 gene, results from a C to T substitution at nucleotide position 3170. The threonine at codon 1057 is replaced by isoleucine, an amino acid with similar properties. This amino acid position is conserved. In addition, this alteration is predicted to be tolerated by in silico analysis. Based on the available evidence, the clinical significance of this variant remains unclear.